The following is an entry in ClinVar:

ClinVar aggregate classification (germline): Uncertain significance (1 of 4 stars; one submission).

Conditions:
Early-infantile DEE. Also called: Ohtahara syndrome; Early infantile epileptic encephalopathy with suppression bursts; Early infantile epileptic encephalopathy. Identifiers: Orphanet 1934, MedGen C0393706, MONDO:0800491.

Submission:

Labcorp Genetics (formerly Invitae), Labcorp
Classification: Uncertain significance for Early-infantile DEE. Last evaluated: 2022-07-26. Review status: criteria provided, single submitter. Criteria: Invitae Variant Classification Sherloc (09022015). Collection method: clinical testing. Allele origin: germline.
Comment: ClinVar contains an entry for this variant (Variation ID: 1478455). This variant has been observed in individual(s) with clinical features of SCN1A-related conditions (Invitae). Information on the frequency of this variant in the gnomAD database is not available, as this variant may be reported differently in the database. This sequence change falls in intron 8 of the SCN1A gene. It does not directly change the encoded amino acid sequence of the SCN1A protein. It affects a nucleotide within the consensus splice site. Variants that disrupt the consensus splice site are a relatively common cause of aberrant splicing (PMID: 17576681, 9536098). Algorithms developed to predict the effect of sequence changes on RNA splicing suggest that this variant may disrupt the consensus splice site. In summary, the available evidence is currently insufficient to determine the role of this variant in disease. Therefore, it has been classified as a Variant of Uncertain Significance. This variant disrupts the c.1170+3 nucleotide in the SCN1A gene. Other variant(s) that disrupt this nucleotide have been determined to be pathogenic (PMID: 31001185). This suggests that this nucleotide is clinically significant, and that variants that disrupt this position are likely to be disease-causing.

Literature cited by the submitters: PubMed 17576681; PubMed 9536098; PubMed 31001185.

NM_001165963.4(SCN1A):c.1170+3_1170+4delinsTT

Gene: SCN1A (sodium voltage-gated channel alpha subunit 1; minus strand). Cytogenetic location: 2q24.3.
Variant type: Indel.
Coding change: c.1170+3_1170+4delinsTT on transcript NM_001165963.4 (MANE Select); bases 3 to 4 of the intron after coding-DNA position 1170, GA replaced by TT.
Molecular consequence: intron variant.
Genome position (GRCh38, 1-based): chr2:166,047,623-166,047,624, TC replaced by AA on the plus strand (GA replaced by TT on the coding strand, the reverse complement: SCN1A is on the minus strand). VCF-style: chr2-166047623-TC-AA. GRCh37 (hg19) VCF-style: chr2-166904133-TC-AA.
Other names: c.1170+3_1170+4delinsTT (NM_001353949.2, NM_001353958.2, NM_001353950.2 and 10 more transcripts); c.-1256+3_-1256+4delinsTT (NM_001353961.2).
Identifiers: ClinVar variation 1478455 (VCV001478455.7), dbSNP rs2105866527, ClinGen allele CA2573133549.